The following is an entry in ClinVar:

NM_177438.3(DICER1):c.1377-4T>G

Gene: DICER1 (dicer 1, ribonuclease III; minus strand). Cytogenetic location: 14q32.13.
Variant type: single nucleotide variant.
Coding change: c.1377-4T>G on transcript NM_177438.3 (MANE Select); 4 bases into the intron before coding-DNA position 1377, T replaced by G.
Molecular consequence: intron variant.
Genome position (GRCh38, 1-based): chr14:95,117,758, A>C on the plus strand (T>G on the coding strand, the complement: DICER1 is on the minus strand). VCF-style: chr14-95117758-A-C. GRCh37 (hg19) VCF-style: chr14-95584095-A-C.
Other names: p.?; c.1377-4T>G (NM_001291628.2, NM_030621.4, NM_001271282.3 and 1 more transcripts).
Identifiers: ClinVar variation 220838 (VCV000220838.117), dbSNP rs192490028, ClinGen allele CA349383.
Genomic context (GRCh38, chr14:95,117,758, plus strand): 5'-AAATTGCTACTGATATAAGCCAGCTCTGGATCTTGTTTGCCAGCTTCCTTTATCAATCTA[A>C]GAAAATTATACACATTTGGAAGTTAAACGTTGCTGAAAGAAAATAAACTTTTGTTTTTAA-3'

ClinVar aggregate classification (germline): Benign/Likely benign. Review status: criteria provided, multiple submitters, no conflicts (2 of 4 stars). 20 submissions from 20 submitters: Benign (10); Likely benign (8). 2 of the submissions do not count toward it. Last evaluated 2026-08-01.

Conditions:
DICER1-related tumor predisposition. Also called: DICER1-related pleuropulmonary blastoma cancer predisposition syndrome; DICER1 syndrome. Identifiers: Orphanet 284343, MedGen C3839822, MONDO:0100216.
Hereditary cancer-predisposing syndrome. Also called: Neoplastic Syndromes, Hereditary; Tumor predisposition; Hereditary Cancer Syndrome; Hereditary neoplastic syndrome. Identifiers: Orphanet 140162, MedGen C0027672, MeSH D009386, MONDO:0015356.
Euthyroid goiter (MNG1). Also called: Goiter, multinodular 1, with or without Sertoli-Leydig cell tumors; GOITER, NONTOXIC, WITH INTRATHYROIDAL CALCIFICATION; MULTINODULAR GOITER, ADOLESCENT; SIMPLE GOITER. Identifiers: Orphanet 276399, MedGen C0302859, MONDO:0007681, OMIM 138800, HP:0009798.
Global developmental delay - lung cysts - overgrowth - Wilms tumor syndrome. Also called: GLOBAL DEVELOPMENTAL DELAY, LUNG CYSTS, OVERGROWTH, AND WILMS TUMOR; GLOW Syndrome. Identifiers: Orphanet 404476, MedGen C4748924, MONDO:0018445, OMIM 618272.
Pleuropulmonary blastoma (PPB). Identifiers: Orphanet 64742, MedGen C1266144, MONDO:0011014, OMIM 601200, HP:0100528.
Rhabdomyosarcoma, embryonal, 2 (RMSE2). Identifiers: MedGen C1867234, MONDO:0859046, OMIM 180295.

Allele frequency attached by ClinVar (database versions not stated): 1000 Genomes Project 0.00180; 1000 Genomes Project 30x 0.00203; TOPMed 0.00233; gnomAD 0.00240 and 0.00249; ESP Exome Variant Server 0.00315; gnomAD exomes 0.00332 and 0.00343; ExAC 0.00333.
gnomAD v4.1: 5,297 of 1,613,702 alleles (0.33%); highest among the groups gnomAD compares: Middle Eastern, 1.6%; 21 homozygotes.

Submissions (20):

CeGaT Center for Human Genetics Tuebingen
Classification: Benign. Last evaluated: 2026-08-01. Review status: criteria provided, single submitter. Criteria: CeGaT Center For Human Genetics Tuebingen Variant Classification Criteria Version 2. Collection method: clinical testing. Allele origin: germline. Affected: yes. Observed: 34 variant alleles.
Comment: DICER1: BP4, BS1, BS2

Myriad Genetics, Inc.
Classification: Likely benign for DICER1-related tumor predisposition. Last evaluated: 2026-04-13. Review status: criteria provided, single submitter. Criteria: Myriad Autosomal Dominant, Autosomal Recessive and X-Linked Classification Criteria (2023). Collection method: clinical testing. Allele origin: unknown.
Comment: This variant is considered likely benign. This variant is intronic and is not expected to impact mRNA splicing. This variant has been observed at a population frequency that is significantly greater than expected given the associated disease prevalence and penetrance.

Labcorp Genetics (formerly Invitae), Labcorp
Classification: Benign for DICER1-related tumor predisposition. Last evaluated: 2026-02-04. Review status: criteria provided, single submitter. Criteria: Invitae Variant Classification Sherloc (09022015). Collection method: clinical testing. Allele origin: germline.

Quest Diagnostics Nichols Institute San Juan Capistrano
Classification: Benign. Last evaluated: 2025-06-18. Review status: criteria provided, single submitter. Criteria: Quest Diagnostics criteria. Collection method: clinical testing. Allele origin: unknown.

Molecular Diagnostics Laboratory, Catalan Institute of Oncology
Classification: Likely benign for Hereditary cancer-predisposing syndrome. Last evaluated: 2025-06-15. Review status: criteria provided, single submitter. Criteria: ACMG Guidelines, 2015. Collection method: clinical testing. Allele origin: germline.
Comment: BS2_Supporting, BP4 DICER1 c.1377-4T>G is an intronic variant close to a canonical splice site.This variant is found in 194/35022 (3 homozygotes) alleles at a frequency of 0.46% in the gnomAD v2.1.1 database, Latino non-cancer dataset (BS2_Supporting). The SpliceAI algorithm predicts no significant impact on splicing (BP4). To our knowledge, functional studies have not been reported for this variant. It has been reported in ClinVar (3x likely benign, 10x benign). Based on currently available information, c.1377-4T>G is classified as a likely benign variant according to ACMG guidelines.

Mayo Clinic Laboratories, Mayo Clinic
Classification: Likely benign. Last evaluated: 2025-06-06. Review status: criteria provided, single submitter. Criteria: ACMG Guidelines, 2015. Collection method: clinical testing. Allele origin: germline. Observed: 9 variant alleles.
Comment: BS1, BP4, BP7

Center for Genomic Medicine, Rigshospitalet, Copenhagen University Hospital
Classification: Likely benign. Last evaluated: 2025-03-04. Review status: criteria provided, single submitter. Criteria: ACMG Guidelines, 2015. Collection method: clinical testing. Allele origin: germline.

Blueprint Genetics
Classification: Likely benign. Last evaluated: 2024-11-27. Review status: criteria provided, single submitter. Criteria: ACMG Guidelines, 2015. Collection method: clinical testing. Allele origin: germline.

ARUP Laboratories, Molecular Genetics and Genomics, ARUP Laboratories
Classification: Benign. Last evaluated: 2024-11-13. Review status: criteria provided, single submitter. Criteria: ARUP Molecular Germline Variant Investigation Process 2024. Collection method: clinical testing. Allele origin: germline.

Department of Pathology and Laboratory Medicine, Sinai Health System
Classification: Benign for Euthyroid goiter; Rhabdomyosarcoma, embryonal, 2; Pleuropulmonary blastoma; Global developmental delay - lung cysts - overgrowth - Wilms tumor syndrome. Last evaluated: 2023-09-05. Review status: criteria provided, single submitter. Criteria: ACMG Guidelines, 2015. Collection method: clinical testing. Allele origin: germline. Affected: yes.

KCCC/NGS Laboratory, Kuwait Cancer Control Center
Classification: Benign for Pleuropulmonary blastoma. Last evaluated: 2023-07-07. Review status: criteria provided, single submitter. Criteria: ACMG Guidelines, 2015. Collection method: clinical testing. Allele origin: germline. Affected: yes.

Fulgent Genetics
Classification: Likely benign for Euthyroid goiter; Rhabdomyosarcoma, embryonal, 2; Pleuropulmonary blastoma; Global developmental delay - lung cysts - overgrowth - Wilms tumor syndrome. Last evaluated: 2022-04-22. Review status: criteria provided, single submitter. Criteria: ACMG Guidelines, 2015. Collection method: clinical testing. Allele origin: unknown.

Foulkes Cancer Genetics LDI, Lady Davis Institute for Medical Research
Classification: Likely benign. Last evaluated: 2019-07-01. Review status: criteria provided, single submitter. Criteria: ACMG Guidelines, 2015. Collection method: curation. Allele origin: germline. Affected: yes. Observed: 1 variant allele.
Comment: ACMG criteria met: BS1, BP4

Illumina Laboratory Services, Illumina
Classification: Benign for Pleuropulmonary blastoma. Last evaluated: 2018-01-13. Review status: criteria provided, single submitter. Criteria: ICSL Variant Classification Criteria 13 December 2019. Collection method: clinical testing. Allele origin: germline.
Comment: This variant was observed in the ICSL laboratory as part of a predisposition screen in an ostensibly healthy population. It had not been previously curated by ICSL or reported in the Human Gene Mutation Database (HGMD: prior to June 1st, 2018), and was therefore a candidate for classification through an automated scoring system. Utilizing variant allele frequency, disease prevalence and penetrance estimates, and inheritance mode, an automated score was calculated to assess if this variant is too frequent to cause the disease. Based on the score and internal cut-off values, a variant classified as benign is not then subjected to further curation. The score for this variant resulted in a classification of benign for this disease.

GeneDx
Classification: Benign. Last evaluated: 2017-11-03. Review status: criteria provided, single submitter. Criteria: GeneDx Variant Classification (06012015). Collection method: clinical testing. Allele origin: germline. Affected: yes.
Comment: This variant is considered likely benign or benign based on one or more of the following criteria: it is a conservative change, it occurs at a poorly conserved position in the protein, it is predicted to be benign by multiple in silico algorithms, and/or has population frequency not consistent with disease.

Ambry Genetics
Classification: Benign for Hereditary cancer-predisposing syndrome. Last evaluated: 2017-03-30. Review status: criteria provided, single submitter. Criteria: Ambry Variant Classification Scheme 2023. Collection method: clinical testing. Allele origin: germline.

PreventionGenetics, part of Exact Sciences
Classification: Benign. Last evaluated: 2017-02-13. Review status: criteria provided, single submitter. Criteria: ACMG Guidelines, 2015. Collection method: clinical testing. Allele origin: germline.

Genetic Services Laboratory, University of Chicago
Classification: Likely benign. Last evaluated: 2016-05-23. Review status: criteria provided, single submitter. Criteria: ACMG Guidelines, 2015. Collection method: clinical testing. Allele origin: germline. Affected: no.

Clinical Genetics DNA and cytogenetics Diagnostics Lab, Erasmus MC, Erasmus Medical Center
Classification: Likely benign. Review status: no assertion criteria provided. Collection method: clinical testing. Allele origin: germline. Affected: yes. Study: VKGL Data-share Consensus. Not counted in ClinVar's aggregate classification.

Joint Genome Diagnostic Labs from Nijmegen and Maastricht, Radboudumc and MUMC+
Classification: Likely benign. Review status: no assertion criteria provided. Collection method: clinical testing. Allele origin: germline. Affected: yes. Study: VKGL Data-share Consensus. Not counted in ClinVar's aggregate classification.

Literature cited by the submitters: PubMed 29399970 (cited by Quest Diagnostics Nichols Institute San Juan Capistrano and Department of Pathology and Laboratory Medicine, Sinai Health System); PubMed 28524158 (cited by 3 submitters); PubMed 38110397 (cited by Quest Diagnostics Nichols Institute San Juan Capistrano).